The following is an entry in ClinVar:

NM_000065.5(C6):c.2296C>T (p.Leu766=)

Gene: C6 (complement C6; minus strand). Cytogenetic location: 5p13.1.
Variant type: single nucleotide variant.
Coding change: c.2296C>T on transcript NM_000065.5 (MANE Select); coding-DNA position 2296, C replaced by T.
Protein change: p.Leu766=; no amino-acid change (leucine 766 retained).
Molecular consequence: synonymous variant.
Genome position (GRCh38, 1-based): chr5:41,150,020, G>A on the plus strand (C>T on the coding strand, the complement: C6 is on the minus strand). VCF-style: chr5-41150020-G-A. GRCh37 (hg19) VCF-style: chr5-41150122-G-A.
Other names: c.2296C>T, p.Leu766= (NM_001115131.4).
Identifiers: ClinVar variation 1558897 (VCV001558897.31), dbSNP rs374161182, ClinGen allele CA3252152.

ClinVar aggregate classification (germline): Likely benign. Review status: criteria provided, multiple submitters, no conflicts (2 of 4 stars). 2 submissions from 2 submitters: Likely benign (2). Last evaluated 2025-12-16.

Allele frequency attached by ClinVar (database versions not stated): ESP Exome Variant Server 0.00023; gnomAD exomes 0.00045; gnomAD 0.00047; ExAC 0.00048.
gnomAD v4.1: 1,065 of 1,606,464 alleles (0.066%); highest among the groups gnomAD compares: Non-Finnish European, 0.085%; no homozygotes.

Submissions (2):

Labcorp Genetics (formerly Invitae), Labcorp
Classification: Likely benign. Last evaluated: 2025-12-16. Review status: criteria provided, single submitter. Criteria: Invitae Variant Classification Sherloc (09022015). Collection method: clinical testing. Allele origin: germline.

CeGaT Center for Human Genetics Tuebingen
Classification: Likely benign. Last evaluated: 2022-06-01. Review status: criteria provided, single submitter. Criteria: CeGaT Center For Human Genetics Tuebingen Variant Classification Criteria Version 2. Collection method: clinical testing. Allele origin: germline. Affected: yes. Observed: 1 variant allele.
Comment: C6: BP4, BP7